The following is an entry in ClinVar:

NM_000548.5(TSC2):c.3576G>C (p.Gln1192His)

Gene: TSC2 (TSC complex subunit 2; plus strand). Cytogenetic location: 16p13.3.
Variant type: single nucleotide variant.
Coding change: c.3576G>C on transcript NM_000548.5 (MANE Select); coding-DNA position 3576, G replaced by C.
Protein change: p.Gln1192His; replaces glutamine 1192 with histidine.
Molecular consequence: missense variant.
Genome position (GRCh38, 1-based): chr16:2,080,343, G>C. VCF-style: chr16-2080343-G-C. GRCh37 (hg19) VCF-style: chr16-2130344-G-C.
Other names: c.3444G>C, p.Gln1148His (NM_001077183.3, NM_001370404.1); c.3576G>C, p.Gln1192His (NM_001114382.3); c.3336G>C, p.Gln1112His (NM_001318827.2); c.3300G>C, p.Gln1100His (NM_001318829.2); c.2844G>C, p.Gln948His (NM_001318831.2); c.3477G>C, p.Gln1159His (NM_001318832.2); c.3447G>C, p.Gln1149His (NM_001363528.2, NM_001370405.1, NM_021055.3); c.3576G>C (NM_000548.3); short protein forms Q1112H, Q948H, Q1149H, Q1192H, Q1100H, Q1148H, Q1159H.
Identifiers: ClinVar variation 1525200 (VCV001525200.7), dbSNP rs2151461822, ClinGen allele CA394289616.

ClinVar aggregate classification (germline): Uncertain significance. Review status: criteria provided, multiple submitters, no conflicts (2 of 4 stars). 2 submissions from 2 submitters: Uncertain significance (2). Last evaluated 2025-10-09.

Conditions:
Tuberous sclerosis 2 (TSC2). Identifiers: Orphanet 805, MedGen C1860707, MONDO:0013199, OMIM 613254.
Hereditary cancer-predisposing syndrome. Also called: Tumor predisposition; Hereditary neoplastic syndrome; Neoplastic Syndromes, Hereditary; Hereditary Cancer Syndrome. Identifiers: Orphanet 140162, MedGen C0027672, MeSH D009386, MONDO:0015356.

gnomAD v4.1: 1 of 1,612,500 alleles (0.000062%); highest among the groups gnomAD compares: Non-Finnish European, 0.000085%; no homozygotes.

Submissions (2):

Ambry Genetics
Classification: Uncertain significance for Hereditary cancer-predisposing syndrome. Last evaluated: 2025-10-09. Review status: criteria provided, single submitter. Criteria: Ambry Variant Classification Scheme 2023. Collection method: clinical testing. Allele origin: germline.
Comment: The p.Q1192H variant (also known as c.3576G>C), located in coding exon 29 of the TSC2 gene, results from a G to C substitution at nucleotide position 3576. The glutamine at codon 1192 is replaced by histidine, an amino acid with highly similar properties. This amino acid position is conserved. In addition, this alteration is predicted to be deleterious by in silico analysis. Based on the available evidence, the clinical significance of this variant remains unclear.

Labcorp Genetics (formerly Invitae), Labcorp
Classification: Uncertain significance for Tuberous sclerosis 2. Last evaluated: 2021-09-05. Review status: criteria provided, single submitter. Criteria: Invitae Variant Classification Sherloc (09022015). Collection method: clinical testing. Allele origin: germline.
Comment: In summary, the available evidence is currently insufficient to determine the role of this variant in disease. Therefore, it has been classified as a Variant of Uncertain Significance. Advanced modeling of protein sequence and biophysical properties (such as structural, functional, and spatial information, amino acid conservation, physicochemical variation, residue mobility, and thermodynamic stability) performed at Invitae indicates that this missense variant is not expected to disrupt TSC2 protein function. This variant has not been reported in the literature in individuals affected with TSC2-related conditions. This variant is not present in population databases (ExAC no frequency). This sequence change replaces glutamine with histidine at codon 1192 of the TSC2 protein (p.Gln1192His). The glutamine residue is highly conserved and there is a small physicochemical difference between glutamine and histidine.